The following is an entry in ClinVar:

NM_030632.3(ASXL3):c.6111A>C (p.Pro2037=)

Gene: ASXL3 (ASXL transcriptional regulator 3; plus strand). Cytogenetic location: 18q12.1.
Variant type: single nucleotide variant.
Coding change: c.6111A>C on transcript NM_030632.3 (MANE Select); coding-DNA position 6111, A replaced by C.
Protein change: p.Pro2037=; no amino-acid change (proline 2037 retained).
Molecular consequence: synonymous variant.
Genome position (GRCh38, 1-based): chr18:33,745,959, A>C. VCF-style: chr18-33745959-A-C. GRCh37 (hg19) VCF-style: chr18-31325923-A-C.
Identifiers: ClinVar variation 3898177 (VCV003898177.7).

ClinVar aggregate classification (germline): Likely benign (1 of 4 stars; one submission).

Submission:

CeGaT Center for Human Genetics Tuebingen
Classification: Likely benign. Last evaluated: 2025-04-01. Review status: criteria provided, single submitter. Criteria: CeGaT Center For Human Genetics Tuebingen Variant Classification Criteria Version 2. Collection method: clinical testing. Allele origin: germline. Affected: yes. Observed: 1 variant allele.
Comment: ASXL3: BP4, BP7